The following is an entry in ClinVar:

ClinVar aggregate classification (germline): Uncertain significance (1 of 4 stars; one submission).

Conditions:
Facioscapulohumeral muscular dystrophy 2 (FSHD2). Also called: MUSCULAR DYSTROPHY, FACIOSCAPULOHUMERAL, TYPE 1B; FACIOSCAPULOHUMERAL MUSCULAR DYSTROPHY 2, DIGENIC; FSHD2, DIGENIC. Identifiers: Orphanet 269, MedGen C1834671, MONDO:0008031, OMIM 158901.

Submission:

Labcorp Genetics (formerly Invitae), Labcorp
Classification: Uncertain significance for Facioscapulohumeral muscular dystrophy 2. Last evaluated: 2026-01-28. Review status: criteria provided, single submitter. Criteria: Invitae Variant Classification Sherloc (09022015). Collection method: clinical testing. Allele origin: germline.
Comment: This sequence change replaces aspartic acid, which is acidic and polar, with valine, which is neutral and non-polar, at codon 1616 of the SMCHD1 protein (p.Asp1616Val). The frequency data for this variant in the population databases is considered unreliable, as metrics indicate poor data quality at this position in the gnomAD database. This variant has not been reported in the literature in individuals affected with SMCHD1-related conditions. An algorithm developed to predict the effect of missense changes on protein structure and function (PolyPhen-2) suggests that this variant is likely to be disruptive. In summary, the available evidence is currently insufficient to determine the role of this variant in disease. Therefore, it has been classified as a Variant of Uncertain Significance.

NM_015295.3(SMCHD1):c.4847A>T (p.Asp1616Val)

Gene: SMCHD1 (structural maintenance of chromosomes flexible hinge domain containing 1; plus strand). Cytogenetic location: 18p11.32.
Variant type: single nucleotide variant.
Coding change: c.4847A>T on transcript NM_015295.3 (MANE Select); coding-DNA position 4847, A replaced by T.
Protein change: p.Asp1616Val; replaces aspartic acid 1616 with valine.
Molecular consequence: missense variant.
Genome position (GRCh38, 1-based): chr18:2,769,989, A>T. VCF-style: chr18-2769989-A-T. GRCh37 (hg19) VCF-style: chr18-2769987-A-T.
Other names: short protein forms D1616V.
Identifiers: ClinVar variation 4736465 (VCV004736465.1).
Genomic context (GRCh38, chr18:2,769,989, plus strand): 5'-GACATATTTTAGAAAAGTCAGTTTTTAAATTATTTAAATTATCTCAATTTTTTTTCTTAG[A>T]TGTTAAGAAGCAGCAACAAATGGCAGCACTTACAAAAGAAAAGGACCAATTATCTCAGTC-3'
Protein context (NP_056110.2, residues 1606-1626): PYILPFMFYN[Asp1616Val]VKKQQQMAAL